The following is an entry in ClinVar:

NM_004168.4(SDHA):c.1709dup (p.Asn570fs)

Gene: SDHA (succinate dehydrogenase complex flavoprotein subunit A; plus strand). Cytogenetic location: 5p15.33.
Variant type: Duplication.
Coding change: c.1709dup on transcript NM_004168.4 (MANE Select); coding-DNA position 1709, one base duplicated (A; older notation c.1709dupA).
Protein change: p.Asn570fs; shifts the reading frame from asparagine 570.
Molecular consequence: frameshift variant. On other transcripts: intron variant (1).
Genome position (GRCh38, 1-based): chr5:251,383, A duplicated; the last of 2 consecutive A bases (chr5:251,382-251,383); duplicating either gives the same sequence. VCF-style (leftmost placement, unchanged base first): chr5-251381-G-GA. GRCh37 (hg19) VCF-style: chr5-251496-G-GA.
Other names: c.1565dup, p.Asn522fs (NM_001294332.2); c.1552-3010dup (NM_001330758.2); short protein forms N522fs, N570fs.
Identifiers: ClinVar variation 3754455 (VCV003754455.2).

ClinVar aggregate classification (germline): Pathogenic (1 of 4 stars; one submission).

Conditions:
Mitochondrial complex II deficiency, nuclear type 1. Also called: SUCCINATE CoQ REDUCTASE DEFICIENCY. Identifiers: Orphanet 3208, MedGen C5700310, MONDO:0100294, OMIM 252011.
Pheochromocytoma/paraganglioma syndrome 5. Also called: Paragangliomas 5; SDHA-Related Hereditary Paraganglioma-Pheochromocytoma Syndrome. Identifiers: Orphanet 29072, MedGen C3279992, MONDO:0013602, OMIM 614165.

Submission:

Labcorp Genetics (formerly Invitae), Labcorp
Classification: Pathogenic for Pheochromocytoma/paraganglioma syndrome 5; Mitochondrial complex II deficiency, nuclear type 1. Last evaluated: 2024-02-18. Review status: criteria provided, single submitter. Criteria: Invitae Variant Classification Sherloc (09022015). Collection method: clinical testing. Allele origin: germline.
Comment: This sequence change creates a premature translational stop signal (p.Asn570Lysfs*33) in the SDHA gene. It is expected to result in an absent or disrupted protein product. Loss-of-function variants in SDHA are known to be pathogenic (PMID: 22974104, 24781757). This variant is not present in population databases (gnomAD no frequency). This variant has not been reported in the literature in individuals affected with SDHA-related conditions. For these reasons, this variant has been classified as Pathogenic.

Literature cited by the submitters: PubMed 22974104; PubMed 24781757.